The following is an entry in ClinVar:

NM_000275.3(OCA2):c.572C>T (p.Ser191Phe)

Gene: OCA2 (OCA2 melanosomal transmembrane protein; minus strand). Cytogenetic location: 15q13.1.
Variant type: single nucleotide variant.
Coding change: c.572C>T on transcript NM_000275.3 (MANE Select); coding-DNA position 572, C replaced by T.
Protein change: p.Ser191Phe; replaces serine 191 with phenylalanine.
Molecular consequence: missense variant.
Genome position (GRCh38, 1-based): chr15:28,024,846, G>A on the plus strand (C>T on the coding strand, the complement: OCA2 is on the minus strand). VCF-style: chr15-28024846-G-A. GRCh37 (hg19) VCF-style: chr15-28269992-G-A.
Other names: c.572C>T, p.Ser191Phe (NM_001300984.2); c.572C>T (NM_000275.2); short protein forms S191F.
Identifiers: ClinVar variation 1349943 (VCV001349943.7), dbSNP rs1158730024, ClinGen allele CA391361422.

ClinVar aggregate classification (germline): Conflicting classifications of pathogenicity. Review status: criteria provided, conflicting classifications (1 of 4 stars). 2 submissions from 2 submitters: Likely pathogenic (1); Uncertain significance (1). Last evaluated 2025-09-30.

Allele frequency attached by ClinVar (database versions not stated): gnomAD 0.00001; gnomAD exomes below 0.00001; TOPMed 0.00002.
gnomAD v4.1: 2 of 1,614,078 alleles (0.00012%); highest among the groups gnomAD compares: Admixed American, 0.0017%; no homozygotes.

Submissions (2):

GeneDx
Classification: Likely pathogenic. Last evaluated: 2025-09-30. Review status: criteria provided, single submitter. Criteria: GeneDx Variant Classification Process June 2021. Collection method: clinical testing. Allele origin: germline.
Comment: In silico analysis supports that this missense variant has a deleterious effect on protein structure/function; Not observed at significant frequency in large population cohorts (gnomAD); Has not been previously published as pathogenic or benign to our knowledge

Labcorp Genetics (formerly Invitae), Labcorp
Classification: Uncertain significance. Last evaluated: 2021-09-24. Review status: criteria provided, single submitter. Criteria: Invitae Variant Classification Sherloc (09022015). Collection method: clinical testing. Allele origin: germline.
Comment: This sequence change replaces serine with phenylalanine at codon 191 of the OCA2 protein (p.Ser191Phe). The serine residue is highly conserved and there is a large physicochemical difference between serine and phenylalanine. This variant is not present in population databases (ExAC no frequency). This variant has not been reported in the literature in individuals affected with OCA2-related conditions. Algorithms developed to predict the effect of missense changes on protein structure and function are either unavailable or do not agree on the potential impact of this missense change (SIFT: "Deleterious"; PolyPhen-2: "Benign"; Align-GVGD: "Class C0"). Algorithms developed to predict the effect of sequence changes on RNA splicing suggest that this variant may disrupt the consensus splice site. In summary, the available evidence is currently insufficient to determine the role of this variant in disease. Therefore, it has been classified as a Variant of Uncertain Significance.